The following is an entry in ClinVar:

ClinVar aggregate classification (germline): Uncertain significance (1 of 4 stars; one submission).

Allele frequency attached by ClinVar (database versions not stated): ExAC 0.00002; gnomAD 0.00004; TOPMed 0.00006.
gnomAD v4.1: 68 of 1,614,000 alleles (0.0042%); highest among the groups gnomAD compares: Non-Finnish European, 0.0055%; no homozygotes.

Submission:

Labcorp Genetics (formerly Invitae), Labcorp
Classification: Uncertain significance. Last evaluated: 2023-05-24. Review status: criteria provided, single submitter. Criteria: Invitae Variant Classification Sherloc (09022015). Collection method: clinical testing. Allele origin: germline.
Comment: This sequence change replaces cysteine, which is neutral and slightly polar, with tyrosine, which is neutral and polar, at codon 35 of the MBTPS1 protein (p.Cys35Tyr). This variant is present in population databases (rs774683641, gnomAD 0.008%). This variant has not been reported in the literature in individuals affected with MBTPS1-related conditions. An algorithm developed to predict the effect of missense changes on protein structure and function (PolyPhen-2) suggests that this variant¬† is likely to be tolerated. In summary, the available evidence is currently insufficient to determine the role of this variant in disease. Therefore, it has been classified as a Variant of Uncertain Significance.

NM_003791.4(MBTPS1):c.104G>A (p.Cys35Tyr)

Gene: MBTPS1 (membrane bound transcription factor peptidase, site 1; minus strand). Cytogenetic location: 16q24.1.
Variant type: single nucleotide variant.
Coding change: c.104G>A on transcript NM_003791.4 (MANE Select); coding-DNA position 104, G replaced by A.
Protein change: p.Cys35Tyr; replaces cysteine 35 with tyrosine.
Molecular consequence: missense variant.
Genome position (GRCh38, 1-based): chr16:84,101,680, C>T on the plus strand (G>A on the coding strand, the complement: MBTPS1 is on the minus strand). VCF-style: chr16-84101680-C-T. GRCh37 (hg19) VCF-style: chr16-84135285-C-T.
Other names: short protein forms C35Y.
Identifiers: ClinVar variation 2887905 (VCV002887905.1), dbSNP rs774683641, ClinGen allele CA8201908.